The following is an entry in ClinVar:

NM_002300.8(LDHB):c.837+45A>G

Gene: LDHB (lactate dehydrogenase B; minus strand). Cytogenetic location: 12p12.1.
Variant type: single nucleotide variant.
Coding change: c.837+45A>G on transcript NM_002300.8 (MANE Select); 45 bases into the intron after coding-DNA position 837, A replaced by G.
Molecular consequence: intron variant.
Genome position (GRCh38, 1-based): chr12:21,637,026, T>C on the plus strand (A>G on the coding strand, the complement: LDHB is on the minus strand). VCF-style: chr12-21637026-T-C. GRCh37 (hg19) VCF-style: chr12-21789960-T-C.
Other names: c.651+45A>G (NM_001414234.1); c.663+45A>G (NM_001414233.1); c.714-1317A>G (NM_001414235.1); c.837+45A>G (NM_001315537.2, NM_001174097.3, NM_002300.7).
Identifiers: ClinVar variation 3777092 (VCV003777092.1).
Genomic context (GRCh38, chr12:21,637,026, plus strand): 5'-ATAACCTTGAACTATGATTTTATCTGGTCTGAGCCTCTTTAAATGAATCTTTTTGTAGAA[T>C]ACAATGCGAGAAATCATATTACATTTTGTGGTAGTTTGTCTTACCTTTACCATTGTTGAC-3'

ClinVar aggregate classification (germline): Uncertain significance (1 of 4 stars; one submission).

Conditions:
Glycogen storage disease due to lactate dehydrogenase H-subunit deficiency. Identifiers: Orphanet 284435, MedGen C3279904, MONDO:0013587, OMIM 614128.

Submission:

University of Washington Department of Laboratory Medicine, University of Washington
Classification: Uncertain significance for Glycogen storage disease due to lactate dehydrogenase H-subunit deficiency. Last evaluated: 2021-05-25. Review status: criteria provided, single submitter. Criteria: ACMG Guidelines, 2015. Collection method: clinical testing. Allele origin: unknown. Affected: yes.
Comment: This variant occurs in the 3’ splice region and computational tools do not predict an impact to splicing. These predictions have not been tested directly. Using ACMG guidelines, this variant was classified as a variant of uncertain significance (ACMG evidence codes used: PS3_supporting, PM2_supporting, BP4).